The following is an entry in ClinVar:

ClinVar aggregate classification (germline): Pathogenic/Likely pathogenic. Review status: criteria provided, multiple submitters, no conflicts (2 of 4 stars). 5 submissions from 5 submitters: Pathogenic (2); Likely pathogenic (2). 1 of the submissions does not count toward it. Last evaluated 2024-12-06.

Conditions:
Cystic fibrosis (CF). Also called: MUCOVISCIDOSIS. Identifiers: Orphanet 586, MedGen C0010674, MONDO:0009061, OMIM 219700. Disease mechanism: loss of function.

Submissions (5):

Women's Health and Genetics/Laboratory Corporation of America, LabCorp
Classification: Pathogenic for Cystic fibrosis. Last evaluated: 2024-12-06. Review status: criteria provided, single submitter. Criteria: LabCorp Variant Classification Summary - May 2015. Collection method: clinical testing. Allele origin: germline.
Comment: Variant summary: CFTR c.3197G>T (p.Arg1066Leu) results in a non-conservative amino acid change in the encoded protein sequence. Five of five in-silico tools predict a damaging effect of the variant on protein function. The variant was absent in 250888 control chromosomes (gnomAD). c.3197G>T has been reported in the literature in individuals affected with Cystic Fibrosis (e.g. Mercier_1993, Kilinc_2002, Kolesar_2008, Hosseini Nami_2023). These data indicate that the variant is likely to be associated with disease. Other variants affecting the same codon have been classified as pathogenic by our lab (c.3196C>T/p.Arg1066Cys, c.3197G>A/p.Arg1006His), supporting the critical relevance of codon 1066 to CFTR protein function. At least one publication reports experimental evidence evaluating an impact on protein function. The most pronounced variant effect resulted in approximately 0.5% of normal chloride channel conductance relative to wild type (e.g., Bihler_2024). The following publications have been ascertained in the context of this evaluation (PMID: 7683628, 12439892, 37274793, 38388235, 19202204). ClinVar contains an entry for this variant (Variation ID: 53678). Based on the evidence outlined above, the variant was classified as pathogenic.

Revvity Omics, Revvity
Classification: Likely pathogenic. Last evaluated: 2024-09-23. Review status: criteria provided, single submitter. Criteria: ACMG Guidelines, 2015. Collection method: clinical testing. Allele origin: germline.

Institute of Human Genetics, University of Leipzig Medical Center
Classification: Likely pathogenic for Cystic fibrosis. Last evaluated: 2022-09-05. Review status: criteria provided, single submitter. Criteria: ACMG Guidelines, 2015. Collection method: curation. Allele origin: unknown. Affected: yes. Observed: 1 variant allele.
Comment: The variant was classified in the context of a project re-classifying variants in the German Cystic Fibrosis Registry (Muko.e.V.). Criteria applied: PM2_SUP, PM3, PM5_STR, PP3, PP4

CFTR-France
Classification: Pathogenic for cystic fibrosis. Last evaluated: 2018-01-29. Review status: criteria provided, single submitter. Criteria: Claustres M et al. (Hum Mutat 2017). Collection method: curation. Allele origin: germline. Affected: yes.

ClinVar Staff, National Center for Biotechnology Information (NCBI)
No classification provided. Condition: CFTR-related disorders. Review status: no classification provided. Collection method: literature only. Allele origin: germline. Affected: yes. Not counted in ClinVar's aggregate classification.

Literature cited by the submitters: PubMed 19202204 (cited by Women's Health and Genetics/Laboratory Corporation of America, LabCorp); PubMed 12439892 (cited by Women's Health and Genetics/Laboratory Corporation of America, LabCorp); PubMed 7683628 (cited by Women's Health and Genetics/Laboratory Corporation of America, LabCorp); PubMed 38388235 (cited by Women's Health and Genetics/Laboratory Corporation of America, LabCorp); PubMed 37274793 (cited by Women's Health and Genetics/Laboratory Corporation of America, LabCorp); PubMed 15502086 (cited by ClinVar Staff, National Center for Biotechnology Information (NCBI)).

NM_000492.4(CFTR):c.3197G>T (p.Arg1066Leu)

Genes: CFTR (CF transmembrane conductance regulator; plus strand), CFTR-AS2 (CFTR antisense RNA 2; minus strand), LOC111674472 (DNase I hypersensitive sites in introns 16 and 17a of CFTR; plus strand). Cytogenetic location: 7q31.2.
Variant type: single nucleotide variant.
Coding change: c.3197G>T on transcript NM_000492.4 (MANE Select); coding-DNA position 3197, G replaced by T.
Protein change: p.Arg1066Leu; replaces arginine 1066 with leucine.
Molecular consequence: missense variant.
Genome position (GRCh38, 1-based): chr7:117,611,638, G>T. VCF-style: chr7-117611638-G-T. GRCh37 (hg19) VCF-style: chr7-117251692-G-T.
Other names: short protein forms R1066L.
Identifiers: ClinVar variation 53678 (VCV000053678.5), dbSNP rs121909019, ClinGen allele CA327087.
Genomic context (GRCh38, chr7:117,611,638, plus strand): 5'-CAGGCAGGAGTCCAATTTTCACTCATCTTGTTACAAGCTTAAAAGGACTATGGACACTTC[G>T]TGCCTTCGGACGGCAGCCTTACTTTGAAACTCTGTTCCACAAAGCTCTGAATTTACATAC-3'
Protein context (NP_000483.3, residues 1056-1076): VTSLKGLWTL[Arg1066Leu]AFGRQPYFET